The following is an entry in ClinVar:

ClinVar aggregate classification (germline): Uncertain significance. Review status: criteria provided, multiple submitters, no conflicts (2 of 4 stars). 2 submissions from 2 submitters: Uncertain significance (2). Last evaluated 2024-11-11.

Conditions:
Inborn genetic diseases. Identifiers: MedGen C0950123, MeSH D030342.

Allele frequency attached by ClinVar (database versions not stated): gnomAD exomes 0.00001; TOPMed 0.00001; ExAC 0.00002; gnomAD 0.00003; 1000 Genomes Project 30x 0.00016; 1000 Genomes Project 0.00020.
gnomAD v4.1: 20 of 1,612,798 alleles (0.0012%); highest among the groups gnomAD compares: East Asian, 0.029%; no homozygotes.

Submissions (2):

Labcorp Genetics (formerly Invitae), Labcorp
Classification: Uncertain significance. Last evaluated: 2024-11-11. Review status: criteria provided, single submitter. Criteria: Invitae Variant Classification Sherloc (09022015). Collection method: clinical testing. Allele origin: germline.
Comment: This sequence change replaces lysine, which is basic and polar, with glutamic acid, which is acidic and polar, at codon 403 of the FGFR3 protein (p.Lys403Glu). This variant is present in population databases (rs373640210, gnomAD 0.04%). This variant has not been reported in the literature in individuals affected with FGFR3-related conditions. ClinVar contains an entry for this variant (Variation ID: 2141007). Invitae Evidence Modeling of protein sequence and biophysical properties (such as structural, functional, and spatial information, amino acid conservation, physicochemical variation, residue mobility, and thermodynamic stability) has been performed for this missense variant. However, the output from this modeling did not meet the statistical confidence thresholds required to predict the impact of this variant on FGFR3 protein function. In summary, the available evidence is currently insufficient to determine the role of this variant in disease. Therefore, it has been classified as a Variant of Uncertain Significance.

Ambry Genetics
Classification: Uncertain significance for Inborn genetic diseases. Last evaluated: 2023-02-07. Review status: criteria provided, single submitter. Criteria: Ambry Variant Classification Scheme 2023. Collection method: clinical testing. Allele origin: germline.

NM_000142.5(FGFR3):c.1207A>G (p.Lys403Glu)

Gene: FGFR3 (fibroblast growth factor receptor 3; plus strand). Cytogenetic location: 4p16.3.
Variant type: single nucleotide variant.
Coding change: c.1207A>G on transcript NM_000142.5 (MANE Select); coding-DNA position 1207, A replaced by G.
Protein change: p.Lys403Glu; replaces lysine 403 with glutamic acid.
Molecular consequence: missense variant. On other transcripts: non-coding transcript variant (1), intron variant (1).
Genome position (GRCh38, 1-based): chr4:1,804,461, A>G. VCF-style: chr4-1804461-A-G. GRCh37 (hg19) VCF-style: chr4-1806188-A-G.
Other names: c.1213A>G, p.Lys405Glu (NM_001163213.2); c.1207A>G, p.Lys403Glu (NM_001354809.2, NM_001354810.2); c.931-363A>G (NM_022965.4); short protein forms K403E, K405E.
Identifiers: ClinVar variation 2141007 (VCV002141007.6), dbSNP rs373640210, ClinGen allele CA2810300.